The following is an entry in ClinVar:

NM_000540.3(RYR1):c.5333C>A (p.Ser1778Ter)

Gene: RYR1 (ryanodine receptor 1; plus strand). Cytogenetic location: 19q13.2.
Variant type: single nucleotide variant.
Coding change: c.5333C>A on transcript NM_000540.3 (MANE Select); coding-DNA position 5333, C replaced by A.
Protein change: p.Ser1778Ter; replaces serine 1778 with a stop codon.
Molecular consequence: nonsense.
Genome position (GRCh38, 1-based): chr19:38,485,988, C>A. VCF-style: chr19-38485988-C-A. GRCh37 (hg19) VCF-style: chr19-38976628-C-A.
Other names: c.5333C>A, p.Ser1778Ter (NM_001042723.2); short protein forms S1778*.
Identifiers: ClinVar variation 42101 (VCV000042101.6), dbSNP rs367543055, ClinGen allele CA024506.

ClinVar aggregate classification (germline): Pathogenic. Review status: criteria provided, single submitter (1 of 4 stars). 2 submissions from 2 submitters: Pathogenic (1). 1 of the submissions does not count toward it. Last evaluated 2023-06-03.

Conditions:
RYR1-related disorder. Also called: RYR1-related condition; RYR1-related disorders. Identifiers: MedGen CN239331.
Congenital myopathy with fiber type disproportion. Also called: Congenital fiber-type disproportion myopathy; Congenital fiber-type disproportion. Identifiers: Orphanet 2020, MedGen C0546264, MONDO:0009711. Inheritance: all.

gnomAD v4.1: 6 of 1,613,582 alleles (0.00037%); highest among the groups gnomAD compares: Non-Finnish European, 0.00051%; no homozygotes.

Submissions (2):

Labcorp Genetics (formerly Invitae), Labcorp
Classification: Pathogenic for RYR1-related disorder. Last evaluated: 2023-06-03. Review status: criteria provided, single submitter. Criteria: Invitae Variant Classification Sherloc (09022015). Collection method: clinical testing. Allele origin: germline.
Comment: For these reasons, this variant has been classified as Pathogenic. ClinVar contains an entry for this variant (Variation ID: 42101). This premature translational stop signal has been observed in individual(s) with RYR1-related conditions (PMID: 20583297). This variant is not present in population databases (gnomAD no frequency). This sequence change creates a premature translational stop signal (p.Ser1778*) in the RYR1 gene. It is expected to result in an absent or disrupted protein product. Loss-of-function variants in RYR1 are known to be pathogenic (PMID: 23919265, 25960145, 28818389, 30611313).

GeneReviews
No classification provided. Condition: Congenital myopathy with fiber type disproportion. Review status: no classification provided. Collection method: literature only. Allele origin: unknown. Not counted in ClinVar's aggregate classification.

Literature cited by the submitters: PubMed 20583297 (cited by Labcorp Genetics (formerly Invitae), Labcorp and GeneReviews); PubMed 23919265 (cited by Labcorp Genetics (formerly Invitae), Labcorp); PubMed 25960145 (cited by Labcorp Genetics (formerly Invitae), Labcorp); PubMed 28818389 (cited by Labcorp Genetics (formerly Invitae), Labcorp); PubMed 30611313 (cited by Labcorp Genetics (formerly Invitae), Labcorp); PubMed 20301436 (cited by GeneReviews); NCBI Bookshelf NBK1259 (cited by GeneReviews).